The following is an entry in ClinVar:

NM_000260.4(MYO7A):c.6368del (p.Pro2123fs)

Gene: MYO7A (myosin VIIA; plus strand). Cytogenetic location: 11q13.5.
Variant type: Deletion.
Coding change: c.6368del on transcript NM_000260.4 (MANE Select); coding-DNA position 6368, one base deleted (C; older notation c.6368delC).
Protein change: p.Pro2123fs; shifts the reading frame from proline 2123.
Molecular consequence: frameshift variant.
Genome position (GRCh38, 1-based): chr11:77,212,965, C deleted; the last of 2 consecutive C bases (chr11:77,212,964-77,212,965); deleting either gives the same sequence. VCF-style (leftmost placement, unchanged base first): chr11-77212963-GC-G. GRCh37 (hg19) VCF-style: chr11-76924008-GC-G.
Other names: c.6248del, p.Pro2083fs (NM_001127180.2); c.6221del, p.Pro2074fs (NM_001369365.1); short protein forms P2123fs, P2074fs, P2083fs.
Identifiers: ClinVar variation 1460359 (VCV001460359.6), dbSNP rs2135798718, ClinGen allele CA2573147844.

ClinVar aggregate classification (germline): Pathogenic (1 of 4 stars; one submission).

Submission:

Labcorp Genetics (formerly Invitae), Labcorp
Classification: Pathogenic. Last evaluated: 2021-10-08. Review status: criteria provided, single submitter. Criteria: Invitae Variant Classification Sherloc (09022015). Collection method: clinical testing. Allele origin: germline.
Comment: For these reasons, this variant has been classified as Pathogenic. This variant has not been reported in the literature in individuals affected with MYO7A-related conditions. This variant is not present in population databases (ExAC no frequency). This sequence change creates a premature translational stop signal (p.Pro2123Glnfs*8) in the MYO7A gene. It is expected to result in an absent or disrupted protein product. Loss-of-function variants in MYO7A are known to be pathogenic (PMID: 8900236, 25404053).

Literature cited by the submitters: PubMed 8900236; PubMed 25404053.